The following is an entry in ClinVar:

NM_006343.3(MERTK):c.345C>G (p.Cys115Trp)

Gene: MERTK (MER proto-oncogene, tyrosine kinase; plus strand). Cytogenetic location: 2q13.
Variant type: single nucleotide variant.
Coding change: c.345C>G on transcript NM_006343.3 (MANE Select); coding-DNA position 345, C replaced by G.
Protein change: p.Cys115Trp; replaces cysteine 115 with tryptophan.
Molecular consequence: missense variant.
Genome position (GRCh38, 1-based): chr2:111,929,403, C>G. VCF-style: chr2-111929403-C-G. GRCh37 (hg19) VCF-style: chr2-112686980-C-G.
Other names: short protein forms C115W.
Identifiers: ClinVar variation 636044 (VCV000636044.14), dbSNP rs772421550, ClinGen allele CA1831017.

ClinVar aggregate classification (germline): Pathogenic/Likely pathogenic. Review status: criteria provided, multiple submitters, no conflicts (2 of 4 stars). 5 submissions from 5 submitters: Pathogenic (2); Likely pathogenic (1). 2 of the submissions do not count toward it. Last evaluated 2024-08-19.

Conditions:
Retinitis pigmentosa (RP). Identifiers: Orphanet 791, MedGen C0035334, MeSH D012174, MONDO:0019200, OMIM 268000. Inheritance: Autosomal dominant, autosomal recessive and X linked inheritance.
MERTK-related disorder. Also called: MERTK-related condition.
Retinitis pigmentosa 38 (RP38). Also called: ROD-CONE DYSTROPHY, CHILDHOOD-ONSET. Identifiers: Orphanet 791, MedGen C3151228, MONDO:0013469, OMIM 613862.

Allele frequency attached by ClinVar (database versions not stated): gnomAD 0.00002; gnomAD exomes 0.00003 and 0.00004; ExAC 0.00007; TOPMed 0.00001.
gnomAD v4.1: 42 of 1,613,944 alleles (0.0026%); highest among the groups gnomAD compares: Non-Finnish European, 0.0031%; no homozygotes.

Submissions (5):

Blueprint Genetics
Classification: Pathogenic for MERTK-related disorders. Last evaluated: 2024-08-19. Review status: criteria provided, single submitter. Criteria: ACMG Guidelines, 2015. Collection method: clinical testing. Allele origin: germline. Affected: yes. Observed: 5 variant alleles.

Labcorp Genetics (formerly Invitae), Labcorp
Classification: Pathogenic. Last evaluated: 2022-10-05. Review status: criteria provided, single submitter. Criteria: Invitae Variant Classification Sherloc (09022015). Collection method: clinical testing. Allele origin: germline.
Comment: This sequence change replaces cysteine, which is neutral and slightly polar, with tryptophan, which is neutral and slightly polar, at codon 115 of the MERTK protein (p.Cys115Trp). This variant is present in population databases (rs772421550, gnomAD 0.008%). This missense change has been observed in individual(s) with autosomal recessive retinitis pigmentosa and other inherited retinal dystrophies (PMID: 24265693, 25097241, 28559085, 29068140, 29659094). In at least one individual the data is consistent with being in trans (on the opposite chromosome) from a pathogenic variant. ClinVar contains an entry for this variant (Variation ID: 636044). Advanced modeling of protein sequence and biophysical properties (such as structural, functional, and spatial information, amino acid conservation, physicochemical variation, residue mobility, and thermodynamic stability) performed at Invitae indicates that this missense variant is expected to disrupt MERTK protein function. For these reasons, this variant has been classified as Pathogenic.

Fulgent Genetics
Classification: Likely pathogenic for Retinitis pigmentosa 38. Last evaluated: 2022-03-11. Review status: criteria provided, single submitter. Criteria: ACMG Guidelines, 2015. Collection method: clinical testing. Allele origin: unknown.

PreventionGenetics, part of Exact Sciences
Classification: Pathogenic for MERTK-related condition. Last evaluated: 2024-06-24. Review status: no assertion criteria provided. Collection method: clinical testing. Allele origin: germline. Not counted in ClinVar's aggregate classification.
Comment: The MERTK c.345C>G variant is predicted to result in the amino acid substitution p.Cys115Trp. This variant has been reported in individuals with autosomal recessive retinitis pigmentosa (Eisenberger et al 2013. PubMed ID: 24265693; Table S1, Stone et al 2017. PubMed ID: 28559085; Avela et al 2017. PubMed ID: 29068140; Tracewska et al. 2021. PubMed ID: 34321860; Karali et al. 2022. PubMed ID: 36460718; Table 2, Areblom et al. 2023. PubMed ID: 37510321). This variant is reported in 0.0077% of alleles in individuals of European (Non-Finnish) descent in gnomAD. In ClinVar, this variant is interpreted as likely pathogenic/pathogenic. In summary, this variant is interpreted as pathogenic. ,

Department of Clinical Genetics, Copenhagen University Hospital, Rigshospitalet
Classification: Likely pathogenic for Retinitis pigmentosa. Last evaluated: 2018-04-01. Review status: no assertion criteria provided. Collection method: research. Allele origin: unknown. Affected: yes. Study: VeluxRD. Not counted in ClinVar's aggregate classification.

Literature cited by the submitters: PubMed 24265693 (cited by Labcorp Genetics (formerly Invitae), Labcorp); PubMed 25097241 (cited by Labcorp Genetics (formerly Invitae), Labcorp); PubMed 28559085 (cited by Labcorp Genetics (formerly Invitae), Labcorp); PubMed 29068140 (cited by Labcorp Genetics (formerly Invitae), Labcorp); PubMed 29659094 (cited by Labcorp Genetics (formerly Invitae), Labcorp); PubMed 30718709 (cited by Department of Clinical Genetics, Copenhagen University Hospital, Rigshospitalet).